The following is an entry in ClinVar:

ClinVar aggregate classification (germline): Pathogenic. Review status: criteria provided, single submitter (1 of 4 stars). 2 submissions from 1 submitter: Pathogenic (2). Last evaluated 2016-06-21.

Conditions:
Marfan syndrome (MFS). Also called: Marfan syndrome, classic; Marfan syndrome type 1; Marfan's syndrome; MARFAN SYNDROME, TYPE I; FBN1-Related Marfan Syndrome. Identifiers: Orphanet 284963, Orphanet 558, MedGen C0024796, MONDO:0007947, OMIM 154700.
Familial thoracic aortic aneurysm and aortic dissection (TAAD). Also called: Thoracic aortic aneurysms and dissections. Identifiers: Orphanet 91387, MedGen C4707243, MONDO:0019625.

Submissions (2):

Labcorp Genetics (formerly Invitae), Labcorp
Classification: Pathogenic for Marfan syndrome. Last evaluated: 2016-06-21. Review status: criteria provided, single submitter. Criteria: Invitae Variant Classification Sherloc (09022015). Collection method: clinical testing. Allele origin: germline.
Comment: This sequence change deletes 1 nucleotide in exon 8 of the FBN1 mRNA (c.801delG), causing a frameshift at codon 268. This creates a premature translational stop signal (p.Ser268Leufs*62) and is expected to result in an absent or disrupted protein product. While this particular variant has not been reported in the literature, truncating variants in FBN1 are known to be pathogenic (PMID: 17657824, 19293843). For these reasons, this variant has been classified as Pathogenic.

Labcorp Genetics (formerly Invitae), Labcorp
Classification: Pathogenic for Marfan syndrome; Familial thoracic aortic aneurysm and aortic dissection. Last evaluated: 2016-06-21. Review status: criteria provided, single submitter. Criteria: Invitae Variant Classification Sherloc (09022015). Collection method: clinical testing. Allele origin: germline.
Comment: For these reasons, this variant has been classified as Pathogenic. While this particular variant has not been reported in the literature, truncating variants in FBN1 are known to be pathogenic (PMID: 17657824, 19293843). This sequence change deletes 1 nucleotide in exon 8 of the FBN1 mRNA (c.801delG), causing a frameshift at codon 268. This creates a premature translational stop signal (p.Ser268Leufs*62) and is expected to result in an absent or disrupted protein product.

Literature cited by the submitters: PubMed 17657824; PubMed 19293843.

NM_000138.5(FBN1):c.801del (p.Ser268fs)

Gene: FBN1 (fibrillin 1; minus strand). Cytogenetic location: 15q21.1.
Variant type: Deletion.
Coding change: c.801del on transcript NM_000138.5 (MANE Select); coding-DNA position 801, one base deleted (G; older notation c.801delG).
Protein change: p.Ser268fs; shifts the reading frame from serine 268.
Molecular consequence: frameshift variant.
Genome position (GRCh38, 1-based): chr15:48,534,141, C deleted on the plus strand (G on the coding strand, the reverse complement: FBN1 is on the minus strand); the first of 3 consecutive C bases (chr15:48,534,141-48,534,143); deleting any one gives the same sequence. VCF-style (leftmost placement, unchanged base first): chr15-48534140-AC-A. GRCh37 (hg19) VCF-style: chr15-48826337-AC-A.
Other names: c.801delG (NM_000138.4); short protein forms S268fs.
Identifiers: ClinVar variation 406310 (VCV000406310.7), dbSNP rs1060501050, ClinGen allele CA16614839.